The following is an entry in ClinVar:

ClinVar aggregate classification (germline): Likely benign. Review status: criteria provided, multiple submitters, no conflicts (2 of 4 stars). 3 submissions from 3 submitters: Likely benign (3). Last evaluated 2025-12-27.

Conditions:
DNMT1-related disorder. Also called: DNMT1-related condition. Identifiers: MedGen CN381527.
Hereditary sensory neuropathy-deafness-dementia syndrome. Also called: Hereditary sensory neuropathy type IE; HSN IE; NEUROPATHY, HEREDITARY SENSORY, WITH HEARING LOSS AND DEMENTIA; Hereditary Sensory and Autonomic Neuropathy Type 1E (HSAN1E). Identifiers: Orphanet 456318, MedGen C3279885, MONDO:0013584, OMIM 614116.

Allele frequency attached by ClinVar (database versions not stated): ExAC 0.00003; gnomAD 0.00003; gnomAD exomes 0.00004; TOPMed 0.00004.
gnomAD v4.1: 55 of 1,604,538 alleles (0.0034%); highest among the groups gnomAD compares: Admixed American, 0.0051%; no homozygotes.

Submissions (3):

Labcorp Genetics (formerly Invitae), Labcorp
Classification: Likely benign for Hereditary sensory neuropathy-deafness-dementia syndrome. Last evaluated: 2025-12-27. Review status: criteria provided, single submitter. Criteria: Invitae Variant Classification Sherloc (09022015). Collection method: clinical testing. Allele origin: germline.

PreventionGenetics, part of Exact Sciences
Classification: Likely benign for DNMT1-related condition. Last evaluated: 2025-08-19. Review status: criteria provided, single submitter. Criteria: ACMG Guidelines, 2015. Collection method: clinical testing. Allele origin: germline.
Comment: This variant is classified as likely benign based on ACMG/AMP sequence variant interpretation guidelines (Richards et al. 2015 PMID: 25741868, with internal and published modifications).

ARUP Laboratories, Molecular Genetics and Genomics, ARUP Laboratories
Classification: Likely benign. Last evaluated: 2020-10-25. Review status: criteria provided, single submitter. Criteria: ARUP Molecular Germline Variant Investigation Process 2021. Collection method: clinical testing. Allele origin: germline.

NM_001130823.3(DNMT1):c.4746C>T (p.Phe1582=)

Genes: DNMT1 (DNA methyltransferase 1; minus strand), LOC126862853 (CDK7 strongly-dependent group 2 enhancer GRCh37_chr19:10246117-10247316; plus strand). Cytogenetic location: 19p13.2.
Variant type: single nucleotide variant.
Coding change: c.4746C>T on transcript NM_001130823.3 (MANE Select); coding-DNA position 4746, C replaced by T.
Protein change: p.Phe1582=; no amino-acid change (phenylalanine 1582 retained).
Molecular consequence: synonymous variant.
Genome position (GRCh38, 1-based): chr19:10,135,763, G>A on the plus strand (C>T on the coding strand, the complement: DNMT1 is on the minus strand). VCF-style: chr19-10135763-G-A. GRCh37 (hg19) VCF-style: chr19-10246439-G-A.
Other names: c.4746C>T (NM_001130823.2); c.4707C>T, p.Phe1569= (NM_001318730.2); c.4383C>T, p.Phe1461= (NM_001318731.2); c.4698C>T, p.Phe1566= (NM_001379.4).
Identifiers: ClinVar variation 1096932 (VCV001096932.17), dbSNP rs780641040, ClinGen allele CA9187438.